The following is an entry in ClinVar:

NM_001128205.2(SULF1):c.80C>T (p.Ser27Phe)

Gene: SULF1 (sulfatase 1; plus strand). Cytogenetic location: 8q13.2.
Variant type: single nucleotide variant.
Coding change: c.80C>T on transcript NM_001128205.2 (MANE Select); coding-DNA position 80, C replaced by T.
Protein change: p.Ser27Phe; replaces serine 27 with phenylalanine.
Molecular consequence: missense variant. On other transcripts: non-coding transcript variant (2).
Genome position (GRCh38, 1-based): chr8:69,564,055, C>T. VCF-style: chr8-69564055-C-T. GRCh37 (hg19) VCF-style: chr8-70476290-C-T.
Other names: c.80C>T, p.Ser27Phe (NM_015170.3, NM_001128204.2, NM_001128206.2 and 19 more transcripts); c.-130C>T (NM_001412841.1, NM_001412842.1); c.-447C>T (NM_001412844.1, NM_001412845.1); c.-1622C>T (NM_001412846.1); short protein forms S27F.
Identifiers: ClinVar variation 1908885 (VCV001908885.5), dbSNP rs760630163, ClinGen allele CA4775475.
Genomic context (GRCh38, chr8:69,564,055, plus strand): 5'-CTCTGGTTTTGGCTGTCCTGGGCACAGAATTGCTGGGAAGCCTCTGTTCGACTGTCAGAT[C>T]CCCGAGGTTCAGAGGACGGATACAGCAGGAACGAAAAAACATCCGACCCAACATTATTCT-3'
Protein context (NP_001121677.1, residues 17-37): LLGSLCSTVR[Ser27Phe]PRFRGRIQQE

ClinVar aggregate classification (germline): Uncertain significance (1 of 4 stars; one submission).

Allele frequency attached by ClinVar (database versions not stated): ExAC 0.00001; gnomAD 0.00001; TOPMed 0.00003.
gnomAD v4.1: 10 of 1,614,034 alleles (0.00062%); highest among the groups gnomAD compares: Admixed American, 0.0017%; no homozygotes.

Submission:

Labcorp Genetics (formerly Invitae), Labcorp
Classification: Uncertain significance. Last evaluated: 2023-05-22. Review status: criteria provided, single submitter. Criteria: Invitae Variant Classification Sherloc (09022015). Collection method: clinical testing. Allele origin: germline.
Comment: This sequence change replaces serine, which is neutral and polar, with phenylalanine, which is neutral and non-polar, at codon 27 of the SULF1 protein (p.Ser27Phe). This variant is present in population databases (rs760630163, gnomAD 0.003%). This variant has not been reported in the literature in individuals affected with SULF1-related conditions. ClinVar contains an entry for this variant (Variation ID: 1908885). An algorithm developed to predict the effect of missense changes on protein structure and function (PolyPhen-2) suggests that this variant is likely to be tolerated. In summary, the available evidence is currently insufficient to determine the role of this variant in disease. Therefore, it has been classified as a Variant of Uncertain Significance.